The following is an entry in ClinVar:

NM_206933.4(USH2A):c.14582+5T>C

Gene: USH2A (usherin; minus strand). Cytogenetic location: 1q41.
Variant type: single nucleotide variant.
Coding change: c.14582+5T>C on transcript NM_206933.4 (MANE Select); 5 bases into the intron after coding-DNA position 14582, T replaced by C.
Molecular consequence: intron variant.
Genome position (GRCh38, 1-based): chr1:215,648,523, A>G on the plus strand (T>C on the coding strand, the complement: USH2A is on the minus strand). VCF-style: chr1-215648523-A-G. GRCh37 (hg19) VCF-style: chr1-215821865-A-G.
Other names: c.14582+5T>C (NM_206933.2).
Identifiers: ClinVar variation 1478096 (VCV001478096.7), dbSNP rs2102642980, ClinGen allele CA2573131549.

ClinVar aggregate classification (germline): Uncertain significance. Review status: criteria provided, single submitter (1 of 4 stars). 2 submissions from 2 submitters: Uncertain significance (1). 1 of the submissions does not count toward it. Last evaluated 2021-04-03.

Conditions:
Usher syndrome type 2A. Also called: RETINAL DISEASE IN USHER SYNDROME TYPE IIA, MODIFIER OF; USHER SYNDROME, TYPE IIA. Identifiers: Orphanet 231178, Orphanet 886, MedGen C1848634, MONDO:0010169, OMIM 276901.

Submissions (2):

Labcorp Genetics (formerly Invitae), Labcorp
Classification: Uncertain significance. Last evaluated: 2021-04-03. Review status: criteria provided, single submitter. Criteria: Invitae Variant Classification Sherloc (09022015). Collection method: clinical testing. Allele origin: germline.
Comment: In summary, the available evidence is currently insufficient to determine the role of this variant in disease. Therefore, it has been classified as a Variant of Uncertain Significance. Nucleotide substitutions within the consensus splice site are a relatively common cause of aberrant splicing (PMID: 17576681, 9536098). Algorithms developed to predict the effect of sequence changes on RNA splicing suggest that this variant is not likely to affect RNA splicing, but this prediction has not been confirmed by published transcriptional studies. This variant has not been reported in the literature in individuals with USH2A-related conditions. This variant is not present in population databases (ExAC no frequency). This sequence change falls in intron 66 of the USH2A gene. It does not directly change the encoded amino acid sequence of the USH2A protein. It affects a nucleotide within the consensus splice site of the intron.

Natera, Inc.
Classification: Uncertain significance for Usher syndrome type 2A. Last evaluated: 2025-05-15. Review status: no assertion criteria provided. Collection method: clinical testing. Allele origin: germline. Not counted in ClinVar's aggregate classification.

Literature cited by the submitters: PubMed 17576681 (cited by Labcorp Genetics (formerly Invitae), Labcorp); PubMed 9536098 (cited by Labcorp Genetics (formerly Invitae), Labcorp).